The following is an entry in ClinVar:

ClinVar aggregate classification (germline): Uncertain significance (1 of 4 stars; one submission).

Conditions:
ARL6-related disorder. Also called: ARL6-related condition.

gnomAD v4.1: 5 of 1,611,546 alleles (0.00031%); highest among the groups gnomAD compares: Non-Finnish European, 0.00042%; no homozygotes.

Submission:

PreventionGenetics, part of Exact Sciences
Classification: Uncertain significance for ARL6-related condition. Last evaluated: 2025-05-12. Review status: criteria provided, single submitter. Criteria: ACMG Guidelines, 2015. Collection method: clinical testing. Allele origin: germline.
Comment: The ARL6 c.124G>A variant is predicted to result in the amino acid substitution p.Ala42Thr. To our knowledge, this variant has not been reported in the literature or in a large population database (gnomAD), indicating this variant is rare. At this time, the clinical significance of this variant is uncertain due to the absence of conclusive functional and genetic evidence.

NM_001278293.3(ARL6):c.124G>A (p.Ala42Thr)

Gene: ARL6 (ARF like GTPase 6; plus strand). Cytogenetic location: 3q11.2.
Variant type: single nucleotide variant.
Coding change: c.124G>A on transcript NM_001278293.3 (MANE Select); coding-DNA position 124, G replaced by A.
Protein change: p.Ala42Thr; replaces alanine 42 with threonine.
Molecular consequence: missense variant. On other transcripts: non-coding transcript variant (7).
Genome position (GRCh38, 1-based): chr3:97,780,159, G>A. VCF-style: chr3-97780159-G-A. GRCh37 (hg19) VCF-style: chr3-97499003-G-A.
Other names: c.124G>A, p.Ala42Thr (NM_001323513.2, NM_001323514.2, NM_032146.5 and 1 more transcripts); short protein forms A42T.
Identifiers: ClinVar variation 4998727 (VCV004998727.1).